The following is an entry in ClinVar:

NM_003322.6(TULP1):c.602-7C>G

Gene: TULP1 (TUB like protein 1; minus strand). Cytogenetic location: 6p21.31.
Variant type: single nucleotide variant.
Coding change: c.602-7C>G on transcript NM_003322.6 (MANE Select); 7 bases into the intron before coding-DNA position 602, C replaced by G.
Molecular consequence: intron variant.
Genome position (GRCh38, 1-based): chr6:35,509,757, G>C on the plus strand (C>G on the coding strand, the complement: TULP1 is on the minus strand). VCF-style: chr6-35509757-G-C. GRCh37 (hg19) VCF-style: chr6-35477534-G-C.
Other names: c.443-7C>G (NM_001289395.2).
Identifiers: ClinVar variation 958266 (VCV000958266.5), dbSNP rs370482427, ClinGen allele CA3772862.

ClinVar aggregate classification (germline): Uncertain significance (1 of 4 stars; one submission).

Allele frequency attached by ClinVar (database versions not stated): gnomAD exomes below 0.00001 and 0.00002; ExAC 0.00002; gnomAD 0.00008 and 0.00009; TOPMed 0.00008; ESP Exome Variant Server 0.00015.

Submission:

Labcorp Genetics (formerly Invitae), Labcorp
Classification: Uncertain significance. Last evaluated: 2022-06-18. Review status: criteria provided, single submitter. Criteria: Invitae Variant Classification Sherloc (09022015). Collection method: clinical testing. Allele origin: germline.
Comment: This sequence change falls in intron 6 of the TULP1 gene. It does not directly change the encoded amino acid sequence of the TULP1 protein. This variant is present in population databases (rs370482427, gnomAD 0.02%). This variant has not been reported in the literature in individuals affected with TULP1-related conditions. ClinVar contains an entry for this variant (Variation ID: 958266). Algorithms developed to predict the effect of sequence changes on RNA splicing suggest that this variant may disrupt the consensus splice site. In summary, the available evidence is currently insufficient to determine the role of this variant in disease. Therefore, it has been classified as a Variant of Uncertain Significance.